The following is an entry in ClinVar:

ClinVar aggregate classification (germline): Uncertain significance (1 of 4 stars; one submission).

Conditions:
Emery-Dreifuss muscular dystrophy 4, autosomal dominant (EDMD4). Also called: EMERY-DREIFUSS MUSCULAR DYSTROPHY 4 WITH VARIABLE FEATURES. Identifiers: Orphanet 261, MedGen C2751807, MONDO:0013071, OMIM 612998.
Autosomal recessive ataxia, Beauce type. Also called: SYNE1 Deficiency; Spinocerebellar ataxia, autosomal recessive 8; ATAXIA, RECESSIVE, OF BEAUCE; SYNE1-Related Autosomal Recessive Cerebellar Ataxia. Identifiers: Orphanet 88644, MedGen C1853116, MONDO:0012549, OMIM 610743.

Allele frequency attached by ClinVar (database versions not stated): gnomAD 0.00001.
gnomAD v4.1: 1 of 1,613,962 alleles (0.000062%); highest among the groups gnomAD compares: Admixed American, 0.0017%; no homozygotes.

Submission:

Labcorp Genetics (formerly Invitae), Labcorp
Classification: Uncertain significance for Emery-Dreifuss muscular dystrophy 4, autosomal dominant; Autosomal recessive ataxia, Beauce type. Last evaluated: 2024-06-03. Review status: criteria provided, single submitter. Criteria: Invitae Variant Classification Sherloc (09022015). Collection method: clinical testing. Allele origin: germline.
Comment: This sequence change replaces methionine, which is neutral and non-polar, with isoleucine, which is neutral and non-polar, at codon 4328 of the SYNE1 protein (p.Met4328Ile). This variant is not present in population databases (gnomAD no frequency). This variant has not been reported in the literature in individuals affected with SYNE1-related conditions. ClinVar contains an entry for this variant (Variation ID: 2117999). An algorithm developed to predict the effect of missense changes on protein structure and function (PolyPhen-2) suggests that this variant is likely to be tolerated. In summary, the available evidence is currently insufficient to determine the role of this variant in disease. Therefore, it has been classified as a Variant of Uncertain Significance.

NM_182961.4(SYNE1):c.13197G>T (p.Met4399Ile)

Gene: SYNE1 (spectrin repeat containing nuclear envelope protein 1; minus strand). Cytogenetic location: 6q25.2.
Variant type: single nucleotide variant.
Coding change: c.13197G>T on transcript NM_182961.4 (MANE Select); coding-DNA position 13197, G replaced by T.
Protein change: p.Met4399Ile; replaces methionine 4399 with isoleucine.
Molecular consequence: missense variant.
Genome position (GRCh38, 1-based): chr6:152,331,488, C>A on the plus strand (G>T on the coding strand, the complement: SYNE1 is on the minus strand). VCF-style: chr6-152331488-C-A. GRCh37 (hg19) VCF-style: chr6-152652623-C-A.
Other names: c.12984G>T, p.Met4328Ile (NM_033071.5); short protein forms M4328I, M4399I.
Identifiers: ClinVar variation 2117999 (VCV002117999.4), dbSNP rs1315703560, ClinGen allele CA366102267.